The following is an entry in ClinVar:

ClinVar aggregate classification (germline): Uncertain significance (1 of 4 stars; one submission).

Conditions:
Inborn genetic diseases. Identifiers: MedGen C0950123, MeSH D030342.

Submission:

Ambry Genetics
Classification: Uncertain significance for Inborn genetic diseases. Last evaluated: 2025-10-02. Review status: criteria provided, single submitter. Criteria: Ambry Variant Classification Scheme 2023. Collection method: clinical testing. Allele origin: germline.
Comment: The p.P75R variant (also known as c.224C>G), located in coding exon 2 of the USB1 gene, results from a C to G substitution at nucleotide position 224. The proline at codon 75 is replaced by arginine, an amino acid with dissimilar properties. This amino acid position is conserved. In addition, the in silico prediction for this alteration is inconclusive. Based on the available evidence, the clinical significance of this variant remains unclear.

NM_024598.4(USB1):c.224C>G (p.Pro75Arg)

Gene: USB1 (U6 snRNA biogenesis phosphodiesterase 1; plus strand). Cytogenetic location: 16q21.
Variant type: single nucleotide variant.
Coding change: c.224C>G on transcript NM_024598.4 (MANE Select); coding-DNA position 224, C replaced by G.
Protein change: p.Pro75Arg; replaces proline 75 with arginine.
Molecular consequence: missense variant.
Genome position (GRCh38, 1-based): chr16:58,002,604, C>G. VCF-style: chr16-58002604-C-G. GRCh37 (hg19) VCF-style: chr16-58036508-C-G.
Other names: c.224C>G, p.Pro75Arg (NM_001195302.2, NM_001204911.2, NM_001330569.2); c.71C>G, p.Pro24Arg (NM_001330568.2); short protein forms P24R, P75R.
Identifiers: ClinVar variation 4634187 (VCV004634187.1).